The following is an entry in ClinVar:

NM_001297595.2(SIN3B):c.2767-10T>A

Gene: SIN3B (SIN3 transcription regulator family member B; plus strand). Cytogenetic location: 19p13.11.
Variant type: single nucleotide variant.
Coding change: c.2767-10T>A on transcript NM_001297595.2 (MANE Select); 10 bases into the intron before coding-DNA position 2767, T replaced by A.
Molecular consequence: intron variant.
Genome position (GRCh38, 1-based): chr19:16,876,476, T>A. VCF-style: chr19-16876476-T-A. GRCh37 (hg19) VCF-style: chr19-16987287-T-A.
Other names: c.2863-10T>A (NM_015260.4); c.1537-10T>A (NM_001297597.2).
Identifiers: ClinVar variation 1809929 (VCV001809929.1), dbSNP rs2513082287, ClinGen allele CA2580096698.
Genomic context (GRCh38, chr19:16,876,476, plus strand): 5'-CCTTGCGAGCCTGCGCTGTGCCGGCTGGGCTGTGCCGGCAGTGGAGGCTGTCAGCGTTCC[T>A]GCTCCGCAGGTGATGTTCCTGCAGCGCAAAGGGCAGGTGATCATGACCATCGAGCTCCTG-3'

ClinVar aggregate classification (germline): Uncertain significance (1 of 4 stars; one submission).

Submission:

GeneDx
Classification: Uncertain significance. Last evaluated: 2022-07-01. Review status: criteria provided, single submitter. Criteria: GeneDx Variant Classification Process June 2021. Collection method: clinical testing. Allele origin: germline. Affected: yes.
Comment: Not observed at significant frequency in large population cohorts (gnomAD); In silico analysis supports a deleterious effect on splicing; Has not been previously published as pathogenic or benign to our knowledge